The following is an entry in ClinVar:

ClinVar aggregate classification (germline): Uncertain significance. Review status: criteria provided, multiple submitters, no conflicts (2 of 4 stars). 2 submissions from 2 submitters: Uncertain significance (2). Last evaluated 2024-12-19.

Conditions:
Hypercholesterolemia, autosomal dominant, 3 (FHCL3). Also called: Familial Hypercholesterolemia, Autosomal Dominant, 3; PCSK9-Related Familial Hypercholesterolemia, Autosomal Dominant; Familial hypercholesterolemia 3. Identifiers: MedGen C1863551, MONDO:0011369, OMIM 603776.

Allele frequency attached by ClinVar (database versions not stated): gnomAD exomes below 0.00001; TOPMed 0.00001; gnomAD 0.00002.
gnomAD v4.1: 5 of 1,614,112 alleles (0.00031%); highest among the groups gnomAD compares: African/African-American, 0.0053%; no homozygotes.

Submissions (2):

GeneDx
Classification: Uncertain significance. Last evaluated: 2024-12-19. Review status: criteria provided, single submitter. Criteria: GeneDx Variant Classification Process June 2021. Collection method: clinical testing. Allele origin: germline. Affected: yes.
Comment: Not observed at significant frequency in large population cohorts (gnomAD); In silico analysis supports that this missense variant has a deleterious effect on protein structure/function; Has not been previously published as pathogenic or benign to our knowledge

All of Us Research Program, National Institutes of Health
Classification: Uncertain significance for Hypercholesterolemia, autosomal dominant, 3. Last evaluated: 2024-05-30. Review status: criteria provided, single submitter. Criteria: ACMG Guidelines, 2015. Collection method: clinical testing. Allele origin: germline. Inheritance: Autosomal dominant inheritance. Observed: 2 variant alleles, 2 heterozygotes.
Comment: This missense variant replaces leucine with proline at codon 119 of the PCSK9 protein. Computational prediction is inconclusive regarding the impact of this variant on protein structure and function (internally defined REVEL score threshold 0.5 < inconclusive < 0.7, PMID: 27666373). To our knowledge, functional studies have not been reported for this variant. This variant has not been reported in individuals affected with PCSK9-related disorders in the literature. This variant has been identified in 3/282824 chromosomes in the general population by the Genome Aggregation Database (gnomAD). The available evidence is insufficient to determine the role of this variant in disease conclusively. Therefore, this variant is classified as a Variant of Uncertain Significance.

This study involves interpretation of variants in research participants for the purpose of population health screening. Participant phenotype was not available at the time of variant classification. Additional details can be found in publication PMID: 35346344, PMCID: PMC8962531

NM_174936.4(PCSK9):c.356T>C (p.Leu119Pro)

Gene: PCSK9 (proprotein convertase subtilisin/kexin type 9; plus strand). Cytogenetic location: 1p32.3.
Variant type: single nucleotide variant.
Coding change: c.356T>C on transcript NM_174936.4 (MANE Select); coding-DNA position 356, T replaced by C.
Protein change: p.Leu119Pro; replaces leucine 119 with proline.
Molecular consequence: missense variant. On other transcripts: 5 prime UTR variant (1), non-coding transcript variant (6), intron variant (1).
Genome position (GRCh38, 1-based): chr1:55,043,991, T>C. VCF-style: chr1-55043991-T-C. GRCh37 (hg19) VCF-style: chr1-55509664-T-C.
Other names: c.479T>C, p.Leu160Pro (NM_001407240.1); c.356T>C, p.Leu119Pro (NM_001407241.1, NM_001407242.1, NM_001407243.1 and 2 more transcripts); c.-20T>C (NM_001407246.1); c.208-2532T>C (NM_001407245.1); short protein forms L119P, L160P.
Identifiers: ClinVar variation 3074590 (VCV003074590.3), dbSNP rs1441639847, ClinGen allele CA340483802.